The following is an entry in ClinVar:

NM_000059.4(BRCA2):c.899T>C (p.Val300Ala)

Gene: BRCA2 (BRCA2 DNA repair associated; plus strand). Cytogenetic location: 13q13.1.
Variant type: single nucleotide variant.
Coding change: c.899T>C on transcript NM_000059.4 (MANE Select); coding-DNA position 899, T replaced by C.
Protein change: p.Val300Ala; replaces valine 300 with alanine.
Molecular consequence: missense variant.
Genome position (GRCh38, 1-based): chr13:32,332,377, T>C. VCF-style: chr13-32332377-T-C. GRCh37 (hg19) VCF-style: chr13-32906514-T-C.
Other names: c.899T>C (NM_000059.3); short protein forms V300A.
Identifiers: ClinVar variation 1415812 (VCV001415812.9), dbSNP rs1555281625, ClinGen allele CA387760676.

ClinVar aggregate classification (germline): Conflicting classifications of pathogenicity. Review status: criteria provided, conflicting classifications (1 of 4 stars). 3 submissions from 3 submitters: Uncertain significance (1); Likely benign (2). Last evaluated 2024-06-04.

Conditions:
Hereditary cancer-predisposing syndrome. Also called: Hereditary Cancer Syndrome; Tumor predisposition; Hereditary neoplastic syndrome; Neoplastic Syndromes, Hereditary. Identifiers: Orphanet 140162, MedGen C0027672, MeSH D009386, MONDO:0015356.
Hereditary breast ovarian cancer syndrome. Also called: Hereditary breast and ovarian cancer syndrome (HBOC); Breast and ovarian cancer; Hereditary breast and ovarian cancer syndrome; Hereditary breast and/or ovarian cancer syndrome; BRCA1- and BRCA2-Associated Hereditary Breast and Ovarian Cancer; Hereditary breast and ovarian cancer. Identifiers: Orphanet 145, MedGen C0677776, MeSH D061325, MONDO:0003582. Disease mechanism: loss of function.

Submissions (3):

Labcorp Genetics (formerly Invitae), Labcorp
Classification: Uncertain significance for Hereditary breast ovarian cancer syndrome. Last evaluated: 2024-06-04. Review status: criteria provided, single submitter. Criteria: Invitae Variant Classification Sherloc (09022015). Collection method: clinical testing. Allele origin: germline.
Comment: This sequence change replaces valine, which is neutral and non-polar, with alanine, which is neutral and non-polar, at codon 300 of the BRCA2 protein (p.Val300Ala). This variant is not present in population databases (gnomAD no frequency). This variant has not been reported in the literature in individuals affected with BRCA2-related conditions. ClinVar contains an entry for this variant (Variation ID: 1415812). Advanced modeling of protein sequence and biophysical properties (such as structural, functional, and spatial information, amino acid conservation, physicochemical variation, residue mobility, and thermodynamic stability) performed at Invitae indicates that this missense variant is not expected to disrupt BRCA2 protein function with a negative predictive value of 95%. In summary, the available evidence is currently insufficient to determine the role of this variant in disease. Therefore, it has been classified as a Variant of Uncertain Significance.

University of Washington Department of Laboratory Medicine, University of Washington
Classification: Likely benign for Hereditary cancer-predisposing syndrome. Last evaluated: 2023-03-23. Review status: criteria provided, single submitter. Criteria: Dines et al. (Genet Med. 2020). Collection method: curation. Allele origin: germline.
Comment: Missense variant in a coldspot region where missense variants are very unlikely to be pathogenic (PMID:31911673).

BRCA2 exon 10 coldspot. Reclassification based on statistical prior probability.

Ambry Genetics
Classification: Likely benign for Hereditary cancer-predisposing syndrome. Last evaluated: 2022-12-08. Review status: criteria provided, single submitter. Criteria: Ambry Variant Classification Scheme 2023. Collection method: clinical testing. Allele origin: germline.